The following is an entry in ClinVar:

NM_004618.5(TOP3A):c.403C>T (p.Arg135Ter)

Gene: TOP3A (DNA topoisomerase III alpha; minus strand). Cytogenetic location: 17p11.2.
Variant type: single nucleotide variant.
Coding change: c.403C>T on transcript NM_004618.5 (MANE Select); coding-DNA position 403, C replaced by T.
Protein change: p.Arg135Ter; replaces arginine 135 with a stop codon.
Molecular consequence: nonsense.
Genome position (GRCh38, 1-based): chr17:18,305,208, G>A on the plus strand (C>T on the coding strand, the complement: TOP3A is on the minus strand). VCF-style: chr17-18305208-G-A. GRCh37 (hg19) VCF-style: chr17-18208522-G-A.
Other names: c.118C>T, p.Arg40Ter (NM_001320759.2); short protein forms R135*, R40*.
Identifiers: ClinVar variation 446286 (VCV000446286.6), dbSNP rs200944917, ClinGen allele CA8430230.
Genomic context (GRCh38, chr17:18,305,208, plus strand): 5'-TTTCGCCTTCTCTATCACAGTCAGTCCAGATCACCAGAGCCTGGCACTGGCGAGTCTCTC[G>A]TTCCAAAGTTTTCTTAAGTTCGCAGTGGAATAAGAGTGGTGAGAACAGAATTGCACAACA-3'

ClinVar aggregate classification (germline): Pathogenic/Likely pathogenic. Review status: criteria provided, multiple submitters, no conflicts (2 of 4 stars). 4 submissions from 4 submitters: Pathogenic (1); Likely pathogenic (1). 2 of the submissions do not count toward it. Last evaluated 2024-11-05.

Conditions:
TOP3A-related disorder. Also called: TOP3A-related condition; TOP3A-related disorders.
Progressive external ophthalmoplegia with mitochondrial DNA deletions, autosomal recessive 5. Also called: PROGRESSIVE EXTERNAL OPHTHALMOPLEGIA, AUTOSOMAL RECESSIVE 5. Identifiers: MedGen C4748184, MONDO:0020845, OMIM 618098.
Mitochondrial disease. Also called: Mitochondrial disorder; Mitochondrial disorders. Identifiers: Orphanet 68380, MedGen C0751651, MeSH D028361, MONDO:0044970.

Allele frequency attached by ClinVar (database versions not stated): gnomAD 0.00005 and 0.00006; ESP Exome Variant Server 0.00008; gnomAD exomes 0.00010; ExAC 0.00020.
gnomAD v4.1: 137 of 1,613,900 alleles (0.0085%); highest among the groups gnomAD compares: Non-Finnish European, 0.0089%; no homozygotes.

Submissions (4):

Blueprint Genetics
Classification: Likely pathogenic for TOP3A-related disorders. Last evaluated: 2024-11-05. Review status: criteria provided, single submitter. Criteria: ACMG Guidelines, 2015. Collection method: clinical testing. Allele origin: germline. Affected: yes. Observed: 4 variant alleles.

Labcorp Genetics (formerly Invitae), Labcorp
Classification: Pathogenic. Last evaluated: 2024-06-24. Review status: criteria provided, single submitter. Criteria: Invitae Variant Classification Sherloc (09022015). Collection method: clinical testing. Allele origin: germline.
Comment: This sequence change creates a premature translational stop signal (p.Arg135*) in the TOP3A gene. It is expected to result in an absent or disrupted protein product. Loss-of-function variants in TOP3A are known to be pathogenic (PMID: 30057030). This variant is present in population databases (rs200944917, gnomAD 0.02%). This premature translational stop signal has been observed in individual(s) with TOP3A-related conditions (PMID: 30057030). ClinVar contains an entry for this variant (Variation ID: 446286). Algorithms developed to predict the effect of sequence changes on RNA splicing suggest that this variant may disrupt the consensus splice site. For these reasons, this variant has been classified as Pathogenic.

OMIM
Classification: Pathogenic for PROGRESSIVE EXTERNAL OPHTHALMOPLEGIA WITH MITOCHONDRIAL DNA DELETIONS, AUTOSOMAL RECESSIVE 5. Last evaluated: 2024-03-07. Review status: no assertion criteria provided. Collection method: literature only. Allele origin: germline. Not counted in ClinVar's aggregate classification.

Mitochondrial Research Group, Newcastle University
Classification: Pathogenic for Mitochondrial disease. Last evaluated: 2017-11-15. Review status: no assertion criteria provided. Collection method: clinical testing. Allele origin: germline. Affected: yes. Observed: 1 variant allele. Not counted in ClinVar's aggregate classification.

Literature cited by the submitters: PubMed 30057030 (cited by Labcorp Genetics (formerly Invitae), Labcorp); PubMed 29290614 (cited by OMIM and Mitochondrial Research Group, Newcastle University).